The following is an entry in ClinVar:

ClinVar aggregate classification (germline): Uncertain significance (1 of 4 stars; one submission).

Submission:

GeneDx
Classification: Uncertain significance. Last evaluated: 2022-05-16. Review status: criteria provided, single submitter. Criteria: GeneDx Variant Classification Process June 2021. Collection method: clinical testing. Allele origin: germline. Affected: yes.
Comment: Not observed at significant frequency in large population cohorts (gnomAD); In silico analysis supports that this missense variant has a deleterious effect on protein structure/function; Has not been previously published as pathogenic or benign to our knowledge

NM_021072.4(HCN1):c.523T>C (p.Trp175Arg)

Gene: HCN1 (hyperpolarization activated cyclic nucleotide gated potassium channel 1; minus strand). Cytogenetic location: 5p12.
Variant type: single nucleotide variant.
Coding change: c.523T>C on transcript NM_021072.4 (MANE Select); coding-DNA position 523, T replaced by C.
Protein change: p.Trp175Arg; replaces tryptophan 175 with arginine.
Molecular consequence: missense variant.
Genome position (GRCh38, 1-based): chr5:45,645,511, A>G on the plus strand (T>C on the coding strand, the complement: HCN1 is on the minus strand). VCF-style: chr5-45645511-A-G. GRCh37 (hg19) VCF-style: chr5-45645613-A-G.
Other names: short protein forms W175R.
Identifiers: ClinVar variation 1800686 (VCV001800686.1), dbSNP rs2478543886, ClinGen allele CA359707727.
Genomic context (GRCh38, chr5:45,645,511, plus strand): 5'-TAAAATTCATGATCAGGTCCAATAGGAAAACTGTATCTGATGCCACATTGAAAATAATCC[A>G]TGGTGTTGTTGTTTGCTCTGTAAAGAATGTGATTCCAACTGGTATGATGACTAGATTTCC-3'
Protein context (NP_066550.2, residues 165-185): TFFTEQTTTP[Trp175Arg]IIFNVASDTV